The following is an entry in ClinVar:

ClinVar aggregate classification (germline): Pathogenic (1 of 4 stars; one submission).

Conditions:
Pallister-Hall syndrome (PHS). Also called: HYPOTHALAMIC HAMARTOBLASTOMA, HYPOPITUITARISM, IMPERFORATE ANUS, AND POSTAXIAL POLYDACTYLY; GLI3-Related Pallister-Hall Syndrome. Identifiers: Orphanet 672, MedGen C0265220, MONDO:0007804, OMIM 146510.

Submission:

Greenwood Genetic Center Diagnostic Laboratories, Greenwood Genetic Center
Classification: Pathogenic for Pallister-Hall syndrome. Last evaluated: 2022-10-31. Review status: criteria provided, single submitter. Criteria: ACMG Guidelines, 2015. Collection method: clinical testing. Allele origin: germline. Affected: yes.
Comment: PVS1, PS4_Moderate, PM2

NM_000168.6(GLI3):c.3386_3387del (p.Asp1128_Phe1129insTer)

Gene: GLI3 (GLI family zinc finger 3; minus strand). Cytogenetic location: 7p14.1.
Variant type: Deletion.
Coding change: c.3386_3387del on transcript NM_000168.6 (MANE Select); coding-DNA positions 3386 to 3387, 2 bases deleted (TT; older notation c.3386_3387delTT).
Protein change: p.Asp1128_Phe1129insTer.
Molecular consequence: nonsense.
Genome position (GRCh38, 1-based): chr7:41,965,686-41,965,687, AA deleted on the plus strand (TT on the coding strand, the reverse complement: GLI3 is on the minus strand); deleting any 2 consecutive bases within chr7:41,965,686-41,965,688 gives the same sequence; the c. name uses the placement nearest the transcript's 3' end. VCF-style (leftmost placement, unchanged base first): chr7-41965685-CAA-C. GRCh37 (hg19) VCF-style: chr7-42005283-CAA-C.
Identifiers: ClinVar variation 2429089 (VCV002429089.4), dbSNP rs116840767, ClinGen allele CA342942.